The following is an entry in ClinVar:

NM_170707.4(LMNA):c.745C>G (p.Arg249Gly)

Gene: LMNA (lamin A/C; plus strand). Cytogenetic location: 1q22.
Variant type: single nucleotide variant.
Coding change: c.745C>G on transcript NM_170707.4 (MANE Select); coding-DNA position 745, C replaced by G.
Protein change: p.Arg249Gly; replaces arginine 249 with glycine.
Molecular consequence: missense variant.
Genome position (GRCh38, 1-based): chr1:156,134,910, C>G. VCF-style: chr1-156134910-C-G. GRCh37 (hg19) VCF-style: chr1-156104701-C-G.
Other names: c.409C>G (NM_001257374.1); c.409C>G, p.Arg137Gly (NM_001257374.3); c.502C>G, p.Arg168Gly (NM_001282624.2); c.745C>G, p.Arg249Gly (NM_001282625.2, NM_001282626.2, NM_005572.4 and 1 more transcripts); short protein forms R249G, R137G, R168G.
Identifiers: ClinVar variation 48077 (VCV000048077.14), dbSNP rs121912496, ClinGen allele CA018552.

ClinVar aggregate classification (germline): Pathogenic/Likely pathogenic. Review status: criteria provided, multiple submitters, no conflicts (2 of 4 stars). 3 submissions from 3 submitters: Pathogenic (1); Likely pathogenic (2). Last evaluated 2025-07-01.

Conditions:
Laminopathy. Also called: Laminopathies. Identifiers: Orphanet 98301, MedGen C5392094, MONDO:0021106.
Charcot-Marie-Tooth disease type 2. Also called: Charcot-Marie-Tooth type 2. Identifiers: Orphanet 64746, MedGen C0270914, MONDO:0018993.
Emery-Dreifuss muscular dystrophy 2, autosomal dominant (EDMD2). Also called: SCAPULOILIOPERONEAL ATROPHY WITH CARDIOPATHY; Limb-girdle muscular dystrophy, type 1B; Muscular dystrophy, proximal, type 1B; Benign scapuloperoneal muscular dystrophy with cardiomyopathy; LMNA-Related Emery-Dreifuss Muscular Dystrophy, Autosomal; HAUPTMANN-THANNHAUSER MUSCULAR DYSTROPHY. Identifiers: Orphanet 261, Orphanet 264, MedGen C0410190, MONDO:0021569, OMIM 181350.

Submissions (3):

Institute of Human Genetics, University of Leipzig Medical Center
Classification: Pathogenic for Emery-Dreifuss muscular dystrophy 2, autosomal dominant. Last evaluated: 2025-07-01. Review status: criteria provided, single submitter. Criteria: ACMG Guidelines, 2015. Collection method: clinical testing. Allele origin: unknown. Inheritance: Autosomal dominant inheritance. Affected: yes.
Comment: Criteria applied: PS4_MOD,PM1,PM2,PM5_STR,PP2,PP3

Labcorp Genetics (formerly Invitae), Labcorp
Classification: Likely pathogenic for Charcot-Marie-Tooth disease type 2. Last evaluated: 2024-05-20. Review status: criteria provided, single submitter. Criteria: Invitae Variant Classification Sherloc (09022015). Collection method: clinical testing. Allele origin: germline.
Comment: This sequence change replaces arginine, which is basic and polar, with glycine, which is neutral and non-polar, at codon 249 of the LMNA protein (p.Arg249Gly). This variant is not present in population databases (gnomAD no frequency). This missense change has been observed in individual(s) with clinical features of autosomal dominant LMNA-related conditions (PMID: 27884249; Invitae). ClinVar contains an entry for this variant (Variation ID: 48077). Advanced modeling of protein sequence and biophysical properties (such as structural, functional, and spatial information, amino acid conservation, physicochemical variation, residue mobility, and thermodynamic stability) performed at Invitae indicates that this missense variant is expected to disrupt LMNA protein function with a positive predictive value of 95%. This variant disrupts the p.Ala249 amino acid residue in LMNA. Other variant(s) that disrupt this residue have been determined to be pathogenic (PMID: 18551513, 20848652, 20886652, 21632249, 24508248, 24656463, 26098624, 29893365). This suggests that this residue is clinically significant, and that variants that disrupt this residue are likely to be disease-causing. In summary, the currently available evidence indicates that the variant is pathogenic, but additional data are needed to prove that conclusively. Therefore, this variant has been classified as Likely Pathogenic.

Laboratory for Molecular Medicine, Mass General Brigham Personalized Medicine
Classification: Likely pathogenic for Laminopathy. Last evaluated: 2019-03-18. Review status: criteria provided, single submitter. Criteria: LMM Criteria. Collection method: clinical testing. Allele origin: germline. Observed: 1 variant allele.
Comment: This variant was absent from large population studies. Two additional variants involving this codon (p.Arg249Gln and p.Arg249Trp) have been reported in greater than 20 individuals (with multiple de novo occurrences) with an LMNA-associated myopathy, including Emery-Dreifuss and limb-girdle muscular dystrophies, and have been classified as pathogenic by multiple clinical laboratories. Computational prediction tools and conservation analysis suggest that this variant may impact the protein. In summary, although additional studies are required to fully establish its clinical significance, this variant meets criteria to be classified as likely pathogenic for autosomal dominant LMNA-associated myopathy. ACMG/AMP Criteria applied: PM5_Strong, PM2, PP3.

Literature cited by the submitters: PubMed 27884249 (cited by Labcorp Genetics (formerly Invitae), Labcorp and Laboratory for Molecular Medicine, Mass General Brigham Personalized Medicine); PubMed 18551513 (cited by Labcorp Genetics (formerly Invitae), Labcorp and Laboratory for Molecular Medicine, Mass General Brigham Personalized Medicine); PubMed 20848652 (cited by Labcorp Genetics (formerly Invitae), Labcorp and Laboratory for Molecular Medicine, Mass General Brigham Personalized Medicine); PubMed 20886652 (cited by Labcorp Genetics (formerly Invitae), Labcorp and Laboratory for Molecular Medicine, Mass General Brigham Personalized Medicine); PubMed 21632249 (cited by Labcorp Genetics (formerly Invitae), Labcorp and Laboratory for Molecular Medicine, Mass General Brigham Personalized Medicine); PubMed 24508248 (cited by Labcorp Genetics (formerly Invitae), Labcorp); PubMed 24656463 (cited by Labcorp Genetics (formerly Invitae), Labcorp and Laboratory for Molecular Medicine, Mass General Brigham Personalized Medicine); PubMed 26098624 (cited by Labcorp Genetics (formerly Invitae), Labcorp); PubMed 29893365 (cited by Labcorp Genetics (formerly Invitae), Labcorp); PubMed 10739764 (cited by Laboratory for Molecular Medicine, Mass General Brigham Personalized Medicine); PubMed 12032588 (cited by Laboratory for Molecular Medicine, Mass General Brigham Personalized Medicine); PubMed 18564364 (cited by Laboratory for Molecular Medicine, Mass General Brigham Personalized Medicine); PubMed 11503164 (cited by Laboratory for Molecular Medicine, Mass General Brigham Personalized Medicine); PubMed 14684700 (cited by Laboratory for Molecular Medicine, Mass General Brigham Personalized Medicine); PubMed 10939567 (cited by Laboratory for Molecular Medicine, Mass General Brigham Personalized Medicine); PubMed 24806962 (cited by Laboratory for Molecular Medicine, Mass General Brigham Personalized Medicine).